The following is an entry in ClinVar:

NM_001005361.3(DNM2):c.*10G>A

Gene: DNM2 (dynamin 2; plus strand). Cytogenetic location: 19p13.2.
Variant type: single nucleotide variant.
Coding change: c.*10G>A on transcript NM_001005361.3 (MANE Select); 10 bases downstream of the stop codon, G replaced by A.
Molecular consequence: 3 prime UTR variant.
Genome position (GRCh38, 1-based): chr19:10,831,057, G>A. VCF-style: chr19-10831057-G-A. GRCh37 (hg19) VCF-style: chr19-10941733-G-A.
Other names: c.*10G>A (NM_001005360.3, NM_001005362.3, NM_001190716.2 and 1 more transcripts).
Identifiers: ClinVar variation 327994 (VCV000327994.11), dbSNP rs200188660, ClinGen allele CA9201686.

ClinVar aggregate classification (germline): Benign/Likely benign. Review status: criteria provided, multiple submitters, no conflicts (2 of 4 stars). 6 submissions from 5 submitters: Benign (5); Likely benign (1). Last evaluated 2025-11-11.

Conditions:
Autosomal dominant centronuclear myopathy. Also called: Myopathy, centronuclear, 3; MYOTUBULAR MYOPATHY, AUTOSOMAL DOMINANT. Identifiers: Orphanet 169189, MedGen C4551952, MeSH D020914, MONDO:0008048, OMIM 160150.
Charcot-Marie-Tooth disease dominant intermediate B (CMTDIB). Also called: CHARCOT-MARIE-TOOTH NEUROPATHY, DOMINANT INTERMEDIATE B; Charcot-Marie-Tooth disease dominant intermediate 1; CMT DI1; Charcot-Marie-Tooth disease dominant intermediate I. Identifiers: Orphanet 100044, Orphanet 228179, MedGen C1847902, MONDO:0011674, OMIM 606482.

Allele frequency attached by ClinVar (database versions not stated): TOPMed 0.00024; gnomAD 0.00029 and 0.00035; gnomAD exomes 0.00030; ExAC 0.00053; 1000 Genomes Project 30x 0.00062; 1000 Genomes Project 0.00080.
gnomAD v4.1: 601 of 1,597,792 alleles (0.038%); highest among the groups gnomAD compares: East Asian, 0.97%; 16 homozygotes.

Submissions (6):

Women's Health and Genetics/Laboratory Corporation of America, LabCorp
Classification: Benign. Last evaluated: 2025-11-11. Review status: criteria provided, single submitter. Criteria: LabCorp Variant Classification Summary - May 2015. Collection method: clinical testing. Allele origin: germline.

Mayo Clinic Laboratories, Mayo Clinic
Classification: Benign. Last evaluated: 2025-10-08. Review status: criteria provided, single submitter. Criteria: ACMG Guidelines, 2015. Collection method: clinical testing. Allele origin: germline. Observed: 1 variant allele.
Comment: BA1

Blueprint Genetics
Classification: Likely benign. Last evaluated: 2024-11-07. Review status: criteria provided, single submitter. Criteria: ACMG Guidelines, 2015. Collection method: clinical testing. Allele origin: germline.

GeneDx
Classification: Benign. Last evaluated: 2018-09-21. Review status: criteria provided, single submitter. Criteria: GeneDx Variant Classification Process June 2021. Collection method: clinical testing. Allele origin: germline. Affected: yes.

Illumina Laboratory Services, Illumina
Classification: Benign for Autosomal dominant centronuclear myopathy. Last evaluated: 2018-01-13. Review status: criteria provided, single submitter. Criteria: ICSL Variant Classification Criteria 13 December 2019. Collection method: clinical testing. Allele origin: germline.
Comment: This variant was observed in the ICSL laboratory as part of a predisposition screen in an ostensibly healthy population. It had not been previously curated by ICSL or reported in the Human Gene Mutation Database (HGMD: prior to June 1st, 2018), and was therefore a candidate for classification through an automated scoring system. Utilizing variant allele frequency, disease prevalence and penetrance estimates, and inheritance mode, an automated score was calculated to assess if this variant is too frequent to cause the disease. Based on the score and internal cut-off values, a variant classified as benign is not then subjected to further curation. The score for this variant resulted in a classification of benign for this disease.

Illumina Laboratory Services, Illumina
Classification: Benign for Charcot-Marie-Tooth disease dominant intermediate B. Last evaluated: 2018-01-13. Review status: criteria provided, single submitter. Criteria: ICSL Variant Classification Criteria 13 December 2019. Collection method: clinical testing. Allele origin: germline.
Comment: the same text as in the submission from Illumina Laboratory Services, Illumina above.